The following is an entry in ClinVar:

ClinVar aggregate classification (germline): Likely benign (0 of 4 stars; one submission).

Conditions:
SDCCAG8-related disorder. Also called: SDCCAG8-Related Disorders; SDCCAG8-related condition.

Allele frequency attached by ClinVar (database versions not stated): gnomAD exomes 0.00019; ExAC 0.00030; 1000 Genomes Project 30x 0.00078; 1000 Genomes Project 0.00080; gnomAD 0.00135; TOPMed 0.00170.
gnomAD v4.1: 326 of 743,546 alleles (0.044%); highest among the groups gnomAD compares: African/African-American, 0.45%; 1 homozygote.

Submission:

PreventionGenetics, part of Exact Sciences
Classification: Likely benign for SDCCAG8-related condition. Last evaluated: 2020-02-10. Review status: no assertion criteria provided. Collection method: clinical testing. Allele origin: germline.
Comment: This variant is classified as likely benign based on ACMG/AMP sequence variant interpretation guidelines (Richards et al. 2015 PMID: 25741868, with internal and published modifications).

NM_006642.5(SDCCAG8):c.675+187T>C

Gene: SDCCAG8 (SHH signaling and ciliogenesis regulator SDCCAG8; plus strand). Cytogenetic location: 1q43.
Variant type: single nucleotide variant.
Coding change: c.675+187T>C on transcript NM_006642.5 (MANE Select); 187 bases into the intron after coding-DNA position 675, T replaced by C.
Molecular consequence: intron variant. On other transcripts: missense variant (1), 5 prime UTR variant (1).
Genome position (GRCh38, 1-based): chr1:243,293,406, T>C. VCF-style: chr1-243293406-T-C. GRCh37 (hg19) VCF-style: chr1-243456708-T-C.
Other names: c.683T>C, p.Leu228Ser (NM_001350248.2); c.-691T>C (NM_001350251.2); c.381+187T>C (NM_001350249.2); c.-438+187T>C (NM_001350246.2); c.-326+187T>C (NM_001350247.2); short protein forms L228S.
Identifiers: ClinVar variation 3044694 (VCV003044694.2), dbSNP rs185888988, ClinGen allele CA1483378.